The following is an entry in ClinVar:

ClinVar aggregate classification (germline): Conflicting classifications of pathogenicity. Review status: criteria provided, conflicting classifications (1 of 4 stars). 9 submissions from 9 submitters: Uncertain significance (1); Benign (1); Likely benign (6). 1 of the submissions does not count toward it. Last evaluated 2025-06-03.

Conditions:
Hereditary cancer-predisposing syndrome. Also called: Hereditary neoplastic syndrome; Tumor predisposition; Neoplastic Syndromes, Hereditary; Hereditary Cancer Syndrome. Identifiers: Orphanet 140162, MedGen C0027672, MeSH D009386, MONDO:0015356.
Peutz-Jeghers syndrome (PJS). Also called: Peutz-Jeghers polyposis; Periorificial lentiginosis syndrome; POLYPOSIS, HAMARTOMATOUS INTESTINAL; POLYPS-AND-SPOTS SYNDROME. Identifiers: Orphanet 2869, MedGen C0031269, MeSH D010580, MONDO:0008280, OMIM 175200.

Allele frequency attached by ClinVar (database versions not stated): gnomAD exomes 0.00001.

Submissions (9):

Labcorp Genetics (formerly Invitae), Labcorp
Classification: Likely benign for Peutz-Jeghers syndrome. Last evaluated: 2025-06-03. Review status: criteria provided, single submitter. Criteria: Invitae Variant Classification Sherloc (09022015). Collection method: clinical testing. Allele origin: germline.

Myriad Genetics, Inc.
Classification: Benign for Peutz-Jeghers syndrome. Last evaluated: 2025-03-25. Review status: criteria provided, single submitter. Criteria: Myriad Autosomal Dominant, Autosomal Recessive and X-Linked Classification Criteria (2023). Collection method: clinical testing. Allele origin: unknown.
Comment: This variant is considered benign. This variant is a silent/synonymous amino acid change and it is not expected to impact splicing.

Center for Genomic Medicine, Rigshospitalet, Copenhagen University Hospital
Classification: Likely benign. Last evaluated: 2025-03-04. Review status: criteria provided, single submitter. Criteria: ACMG Guidelines, 2015. Collection method: clinical testing. Allele origin: germline.

All of Us Research Program, National Institutes of Health
Classification: Likely benign for Peutz-Jeghers syndrome. Last evaluated: 2023-10-02. Review status: criteria provided, single submitter. Criteria: ACMG Guidelines, 2015. Collection method: clinical testing. Allele origin: germline. Inheritance: Autosomal dominant inheritance. Observed: 2 variant alleles, 2 heterozygotes.
Comment: This study involves interpretation of variants in research participants for the purpose of population health screening. Participant phenotype was not available at the time of variant classification. Additional details can be found in publication PMID: 35346344, PMCID: PMC8962531

Quest Diagnostics Nichols Institute San Juan Capistrano
Classification: Uncertain significance. Last evaluated: 2021-06-06. Review status: criteria provided, single submitter. Criteria: Quest Diagnostics criteria. Collection method: clinical testing. Allele origin: unknown.

Color Diagnostics, LLC DBA Color Health
Classification: Likely benign for Hereditary cancer-predisposing syndrome. Last evaluated: 2018-04-13. Review status: criteria provided, single submitter. Criteria: ACMG Guidelines, 2015. Collection method: clinical testing. Allele origin: germline.

GeneDx
Classification: Likely benign. Last evaluated: 2016-03-10. Review status: criteria provided, single submitter. Criteria: GeneDx Variant Classification (06012015). Collection method: clinical testing. Allele origin: germline. Affected: yes.
Comment: This variant is considered likely benign or benign based on one or more of the following criteria: it is a conservative change, it occurs at a poorly conserved position in the protein, it is predicted to be benign by multiple in silico algorithms, and/or has population frequency not consistent with disease.

Ambry Genetics
Classification: Likely benign for Hereditary cancer-predisposing syndrome. Last evaluated: 2015-07-24. Review status: criteria provided, single submitter. Criteria: Ambry Variant Classification Scheme 2023. Collection method: clinical testing. Allele origin: germline.

Department of Pathology and Laboratory Medicine, Sinai Health System
Classification: Likely benign. Review status: no assertion criteria provided. Collection method: clinical testing. Allele origin: unknown. Affected: yes. Observed: 1 variant allele. Study: The Canadian Open Genetics Repository (COGR). Not counted in ClinVar's aggregate classification.
Comment: The STK11 p.Leu55= variant was not identified in the literature nor was it identified in the dbSNP, Cosmic, LOVD 3.0, Zhejiang University, or Insight Hereditary Tumors databases. The variant was identified in ClinVar (classified as likely benign by GeneDx and Invitae). The variant was not identified in the following control databases: the Exome Aggregation Consortium (August 8th 2016) or the Genome Aggregation Database (Feb 27, 2017). The p.Leu55= variant is not expected to have clinical significance because it does not result in a change of amino acid and is not located in a known consensus splice site. In addition, in silico or computational prediction software programs (SpliceSiteFinder, MaxEntScan, NNSPLICE, GeneSplicer, HumanSpliceFinder) do not predict a difference in splicing. In summary, based on the above information, the clinical significance of this variant cannot be determined with certainty at this time although we would lean towards a more benign role for this variant. This variant is classified as likely benign.

NM_000455.5(STK11):c.163C>T (p.Leu55=)

Gene: STK11 (serine/threonine kinase 11; plus strand). Cytogenetic location: 19p13.3.
Variant type: single nucleotide variant.
Coding change: c.163C>T on transcript NM_000455.5 (MANE Select); coding-DNA position 163, C replaced by T.
Protein change: p.Leu55=; no amino-acid change (leucine 55 retained).
Molecular consequence: synonymous variant.
Genome position (GRCh38, 1-based): chr19:1,207,076, C>T. VCF-style: chr19-1207076-C-T. GRCh37 (hg19) VCF-style: chr19-1207075-C-T.
Identifiers: ClinVar variation 380605 (VCV000380605.22), dbSNP rs1057520869, ClinGen allele CA089266.
Genomic context (GRCh38, chr19:1,207,076, plus strand): 5'-ATCTACCAGCCGCGCCGCAAGCGGGCCAAGCTCATCGGCAAGTACCTGATGGGGGACCTG[C>T]TGGGGGAAGGCTCTTACGGCAAGGTGAAGGAGGTGCTGGACTCGGAGACGCTGTGCAGGA-3'
Protein context (NP_000446.1, residues 45-65): LIGKYLMGDL[Leu55=]GEGSYGKVKE